The following is an entry in ClinVar:

ClinVar aggregate classification (germline): Likely benign (1 of 4 stars; one submission).

Submission:

CeGaT Center for Human Genetics Tuebingen
Classification: Likely benign. Last evaluated: 2024-03-01. Review status: criteria provided, single submitter. Criteria: CeGaT Center For Human Genetics Tuebingen Variant Classification Criteria Version 2. Collection method: clinical testing. Allele origin: germline. Affected: yes. Observed: 1 variant allele.
Comment: MARCO: PM2:Supporting, BP4, BP7

NM_006770.4(MARCO):c.495T>A (p.Pro165=)

Gene: MARCO (macrophage receptor with collagenous structure; plus strand). Cytogenetic location: 2q14.2.
Variant type: single nucleotide variant.
Coding change: c.495T>A on transcript NM_006770.4 (MANE Select); coding-DNA position 495, T replaced by A.
Protein change: p.Pro165=; no amino-acid change (proline 165 retained).
Molecular consequence: synonymous variant.
Genome position (GRCh38, 1-based): chr2:118,974,367, T>A. VCF-style: chr2-118974367-T-A. GRCh37 (hg19) VCF-style: chr2-119731943-T-A.
Identifiers: ClinVar variation 3234366 (VCV003234366.20), dbSNP rs2467087961, ClinGen allele CA428402135.